The following is an entry in ClinVar:

ClinVar aggregate classification (germline): Uncertain significance (1 of 4 stars; one submission).

Conditions:
Hereditary cancer-predisposing syndrome. Also called: Neoplastic Syndromes, Hereditary; Tumor predisposition; Hereditary neoplastic syndrome; Hereditary Cancer Syndrome. Identifiers: Orphanet 140162, MedGen C0027672, MeSH D009386, MONDO:0015356.

Submission:

Ambry Genetics
Classification: Uncertain significance for Hereditary cancer-predisposing syndrome. Last evaluated: 2019-06-27. Review status: criteria provided, single submitter. Criteria: Ambry Variant Classification Scheme 2023. Collection method: clinical testing. Allele origin: germline.
Comment: The p.A175V variant (also known as c.524C>T), located in coding exon 1 of the HOXB13 gene, results from a C to T substitution at nucleotide position 524. The alanine at codon 175 is replaced by valine, an amino acid with similar properties. This amino acid position is poorly conserved in available vertebrate species. In addition, this alteration is predicted to be tolerated by in silico analysis. Since supporting evidence is limited at this time, the clinical significance of this alteration remains unclear.

NM_006361.6(HOXB13):c.524C>T (p.Ala175Val)

Gene: HOXB13 (homeobox B13; minus strand). Cytogenetic location: 17q21.32.
Variant type: single nucleotide variant.
Coding change: c.524C>T on transcript NM_006361.6 (MANE Select); coding-DNA position 524, C replaced by T.
Protein change: p.Ala175Val; replaces alanine 175 with valine.
Molecular consequence: missense variant.
Genome position (GRCh38, 1-based): chr17:48,728,070, G>A on the plus strand (C>T on the coding strand, the complement: HOXB13 is on the minus strand). VCF-style: chr17-48728070-G-A. GRCh37 (hg19) VCF-style: chr17-46805432-G-A.
Other names: short protein forms A175V.
Identifiers: ClinVar variation 825587 (VCV000825587.4), dbSNP rs1597933907, ClinGen allele CA400107268.
Genomic context (GRCh38, chr17:48,728,070, plus strand): 5'-CAAAAGGGACCTGGTGGGTTCTGTTCTCCCTGGCAACACATCTGGCTGTTCCAGCCACCA[G>A]CGAGAGCCCAAGACTGGTAACTGTCCACAGGCAACAGGGAGTCATGTCGCGGTTCTCCAG-3'
Protein context (NP_006352.2, residues 165-185): PVDSYQSWAL[Ala175Val]GGWNSQMCCQ